The following is an entry in ClinVar:

ClinVar aggregate classification (germline): Uncertain significance (1 of 4 stars; one submission).

Conditions:
Familial melanoma. Also called: Hereditary melanoma; Hereditary cutaneous melanoma. Identifiers: Orphanet 618, MedGen C1512419, MONDO:0018961.

Submission:

Labcorp Genetics (formerly Invitae), Labcorp
Classification: Uncertain significance for Familial melanoma. Last evaluated: 2023-11-02. Review status: criteria provided, single submitter. Criteria: Invitae Variant Classification Sherloc (09022015). Collection method: clinical testing. Allele origin: germline.
Comment: This sequence change replaces proline, which is neutral and non-polar, with leucine, which is neutral and non-polar, at codon 280 of the CDK4 protein (p.Pro280Leu). This variant is not present in population databases (gnomAD no frequency). This variant has not been reported in the literature in individuals affected with CDK4-related conditions. ClinVar contains an entry for this variant (Variation ID: 1487079). An algorithm developed to predict the effect of missense changes on protein structure and function (PolyPhen-2) suggests that this variant is likely to be tolerated. In summary, the available evidence is currently insufficient to determine the role of this variant in disease. Therefore, it has been classified as a Variant of Uncertain Significance.

NM_000075.4(CDK4):c.839C>T (p.Pro280Leu)

Genes: CDK4 (cyclin dependent kinase 4; minus strand), TSPAN31 (tetraspanin 31; plus strand). Cytogenetic location: 12q14.1.
Variant type: single nucleotide variant.
Coding change: c.839C>T on transcript NM_000075.4 (MANE Select); coding-DNA position 839, C replaced by T.
Protein change: p.Pro280Leu; replaces proline 280 with leucine.
Molecular consequence: missense variant. On other transcripts: 3 prime UTR variant (3).
Genome position (GRCh38, 1-based): chr12:57,748,598, G>A on the plus strand (C>T on the coding strand, the complement: CDK4 is on the minus strand). VCF-style: chr12-57748598-G-A. GRCh37 (hg19) VCF-style: chr12-58142381-G-A.
Other names: c.*1308G>A (NM_001330168.2, NM_001330169.2, NM_005981.5); short protein forms P280L.
Identifiers: ClinVar variation 1487079 (VCV001487079.8), dbSNP rs2140381227, ClinGen allele CA385542540.